The following is an entry in ClinVar:

ClinVar aggregate classification (germline): Uncertain significance (1 of 4 stars; one submission).

Conditions:
Inborn genetic diseases. Identifiers: MedGen C0950123, MeSH D030342.

Submission:

Ambry Genetics
Classification: Uncertain significance for Inborn genetic diseases. Last evaluated: 2025-06-29. Review status: criteria provided, single submitter. Criteria: Ambry Variant Classification Scheme 2023. Collection method: clinical testing. Allele origin: germline.
Comment: The p.L1004F variant (also known as c.3010C>T), located in coding exon 14 of the FANCM gene, results from a C to T substitution at nucleotide position 3010. The leucine at codon 1004 is replaced by phenylalanine, an amino acid with highly similar properties. This amino acid position is conserved. In addition, this alteration is predicted to be tolerated by in silico analysis. Based on the available evidence, the clinical significance of this variant remains unclear.

NM_020937.4(FANCM):c.3010C>T (p.Leu1004Phe)

Gene: FANCM (FA complementation group M; plus strand). Cytogenetic location: 14q21.2.
Variant type: single nucleotide variant.
Coding change: c.3010C>T on transcript NM_020937.4 (MANE Select); coding-DNA position 3010, C replaced by T.
Protein change: p.Leu1004Phe; replaces leucine 1004 with phenylalanine.
Molecular consequence: missense variant.
Genome position (GRCh38, 1-based): chr14:45,175,764, C>T. VCF-style: chr14-45175764-C-T. GRCh37 (hg19) VCF-style: chr14-45644967-C-T.
Other names: c.2932C>T, p.Leu978Phe (NM_001308133.2); short protein forms L1004F, L978F.
Identifiers: ClinVar variation 4254560 (VCV004254560.1).
Genomic context (GRCh38, chr14:45,175,764, plus strand): 5'-AAAGAGGTACTAGCTAATGTAGAGAGATTTTTATCTTATTCTCCTCCGCCTCTCAGTGGA[C>T]TCTCAGACTTGGAATATGAAATTGCTAAGGGTACTGCACTTGAGAATTTGCTTTTCTTAC-3'
Protein context (NP_065988.1, residues 994-1014): LSYSPPPLSG[Leu1004Phe]SDLEYEIAKG